The following is an entry in ClinVar:

NM_000548.5(TSC2):c.4490C>G (p.Pro1497Arg)

Gene: TSC2 (TSC complex subunit 2; plus strand). Cytogenetic location: 16p13.3.
Variant type: single nucleotide variant.
Coding change: c.4490C>G on transcript NM_000548.5 (MANE Select); coding-DNA position 4490, C replaced by G.
Protein change: p.Pro1497Arg; replaces proline 1497 with arginine.
Molecular consequence: missense variant.
Genome position (GRCh38, 1-based): chr16:2,084,712, C>G. VCF-style: chr16-2084712-C-G. GRCh37 (hg19) VCF-style: chr16-2134713-C-G.
Other names: c.4289C>G, p.Pro1430Arg (NM_001077183.3); c.4421C>G, p.Pro1474Arg (NM_001114382.3); c.4181C>G, p.Pro1394Arg (NM_001318827.2); c.4145C>G, p.Pro1382Arg (NM_001318829.2); c.3758C>G, p.Pro1253Arg (NM_001318831.2); c.4322C>G, p.Pro1441Arg (NM_001318832.2); c.4292C>G, p.Pro1431Arg (NM_001363528.2); c.4358C>G, p.Pro1453Arg (NM_001370404.1); and 2 more; short protein forms P1497R, P1431R, P1441R, P1253R, P1382R, P1394R, P1430R, P1454R.
Identifiers: ClinVar variation 49491 (VCV000049491.8), dbSNP rs45497997, ClinGen allele CA020517.
Genomic context (GRCh38, chr16:2,084,712, plus strand): 5'-GGGACGCCTTAAAGAGCAGAGCCACAGCCTCCAATGCAGAGAAAGTGCCAGGCATCAACC[C>G]CAGGTGGGCCTCTTGCTTCCGGGCGGGGCTCCTGACACCTCTCCTGCGGGAACCTGGTGC-3'
Protein context (NP_000539.2, residues 1487-1507): SNAEKVPGIN[Pro1497Arg]SFVFLQLYHS

ClinVar aggregate classification (germline): Pathogenic. Review status: criteria provided, multiple submitters, no conflicts (2 of 4 stars). 4 submissions from 4 submitters: Pathogenic (3). 1 of the submissions does not count toward it. Last evaluated 2025-04-14.

Conditions:
TSC2-related disorder. Also called: TSC2-Related Disorders; TSC2-related condition.
Hereditary cancer-predisposing syndrome. Also called: Hereditary Cancer Syndrome; Neoplastic Syndromes, Hereditary; Hereditary neoplastic syndrome; Tumor predisposition. Identifiers: Orphanet 140162, MedGen C0027672, MeSH D009386, MONDO:0015356.
Tuberous sclerosis syndrome (TSC). Also called: Tuberous Sclerosis Complex; Tuberous sclerosis. Identifiers: Orphanet 805, MedGen C0041341, MONDO:0001734.
Tuberous sclerosis 2 (TSC2). Identifiers: Orphanet 805, MedGen C1860707, MONDO:0013199, OMIM 613254.

Submissions (4):

PreventionGenetics, part of Exact Sciences
Classification: Pathogenic for TSC2-related condition. Last evaluated: 2025-04-14. Review status: criteria provided, single submitter. Criteria: ACMG Guidelines, 2015. Collection method: clinical testing. Allele origin: germline.
Comment: The TSC2 c.4490C>G variant is predicted to result in the amino acid substitution p.Pro1497Arg. This variant has been reported in at least two individuals with tuberous sclerosis and at least once as de novo origin (referred to as c.4508C>G, Jones et al. 1999. PubMed ID: 10205261; van Eeghen et al. 2011. PubMed ID: 22189265). It has been detected along with a TSC2 loss-of-function variant in the tumor tissue of a patient with renal cell carcinoma (Aldera et al. 2022. PubMed ID: 34402332). Experimental studies demonstrated this variant results in impaired function (Hoogeveen-Westerveld et al. 2011. PubMed ID: 21309039). Another missense at this position, p.Pro1497Leu, has also been reported in individuals with tuberous sclerosis, and in at least one case in tumor tissue along with a TSC2 loss-of-function variant (Sudarshan et al. 2019. PubMed ID: 31655562; Supplemental data 2, Martin et al. 2017. PubMed ID: 28643795; Tyburczy et al. 2013. PubMed ID: 24271014). This variant has not been reported in a large population database (gnomAD), indicating this variant is rare, and is interpreted as pathogenic in ClinVar. This variant is interpreted as pathogenic.

Labcorp Genetics (formerly Invitae), Labcorp
Classification: Pathogenic for Tuberous sclerosis 2. Last evaluated: 2022-11-26. Review status: criteria provided, single submitter. Criteria: Invitae Variant Classification Sherloc (09022015). Collection method: clinical testing. Allele origin: germline.
Comment: This sequence change replaces proline, which is neutral and non-polar, with arginine, which is basic and polar, at codon 1497 of the TSC2 protein (p.Pro1497Arg). This variant is not present in population databases (gnomAD no frequency). Experimental studies have shown that this missense change affects TSC2 function (PMID: 21309039). For these reasons, this variant has been classified as Pathogenic. This variant disrupts the p.Pro1497 amino acid residue in TSC2. Other variant(s) that disrupt this residue have been determined to be pathogenic (PMID: 24271014, 28643795, 31655562; Invitae). This suggests that this residue is clinically significant, and that variants that disrupt this residue are likely to be disease-causing. Advanced modeling of protein sequence and biophysical properties (such as structural, functional, and spatial information, amino acid conservation, physicochemical variation, residue mobility, and thermodynamic stability) has been performed at Invitae for this missense variant, however the output from this modeling did not meet the statistical confidence thresholds required to predict the impact of this variant on TSC2 protein function. ClinVar contains an entry for this variant (Variation ID: 49491). This variant is also known as P1474R. This missense change has been observed in individual(s) with clinical features of tuberous sclerosis complex (PMID: 10205261, 22189265; Invitae). In at least one individual the variant was observed to be de novo.

Ambry Genetics
Classification: Pathogenic for Hereditary cancer-predisposing syndrome. Last evaluated: 2018-02-01. Review status: criteria provided, single submitter. Criteria: Ambry Variant Classification Scheme 2023. Collection method: clinical testing. Allele origin: germline.
Comment: The p.P1497R pathogenic mutation (also known as c.4490C>G), located in coding exon 33 of the TSC2 gene, results from a C to G substitution at nucleotide position 4490. The proline at codon 1497 is replaced by arginine, an amino acid with dissimilar properties. This alteration has been detected in at least twice, once as a de novo occurrence, in individuals with definite diagnoses of tuberous sclerosis (TSC) (Jones AC et al. Am. J. Hum. Genet., 1999 May;64:1305-15; van Eeghen AM et al. Eur. J. Hum. Genet., 2012 May;20:510-5). In another study, authors used a transfection-based immunoblot assay which showed that this mutation exhibited significantly higher phoshorylation levels compared to wildtype TSC2, and was therefore interpreted as pathogenic (Hoogeveen-Westerveld M et al. Hum. Mutat., 2011 Apr;32:424-35). Based on the supporting evidence, this alteration is interpreted as a disease-causing mutation.

Tuberous sclerosis database (TSC2)
No classification provided. Condition: TSC. Review status: no classification provided. Criteria: Tuberous Sclerosis Database Assertion Criteria 2015. Collection method: curation. Allele origin: germline. Affected: yes. Not counted in ClinVar's aggregate classification.

Literature cited by the submitters: PubMed 21309039 (cited by Labcorp Genetics (formerly Invitae), Labcorp and Ambry Genetics); PubMed 24271014 (cited by Labcorp Genetics (formerly Invitae), Labcorp and Ambry Genetics); PubMed 28643795 (cited by Labcorp Genetics (formerly Invitae), Labcorp); PubMed 31655562 (cited by Labcorp Genetics (formerly Invitae), Labcorp); PubMed 10205261 (cited by Labcorp Genetics (formerly Invitae), Labcorp and Ambry Genetics); PubMed 22189265 (cited by Labcorp Genetics (formerly Invitae), Labcorp and Ambry Genetics).